The following is an entry in ClinVar:

NM_030928.4(CDT1):c.542T>C (p.Leu181Pro)

Gene: CDT1 (chromatin licensing and DNA replication factor 1; plus strand). Cytogenetic location: 16q24.3.
Variant type: single nucleotide variant.
Coding change: c.542T>C on transcript NM_030928.4 (MANE Select); coding-DNA position 542, T replaced by C.
Protein change: p.Leu181Pro; replaces leucine 181 with proline.
Molecular consequence: missense variant.
Genome position (GRCh38, 1-based): chr16:88,805,493, T>C. VCF-style: chr16-88805493-T-C. GRCh37 (hg19) VCF-style: chr16-88871901-T-C.
Other names: short protein forms L181P.
Identifiers: ClinVar variation 1349483 (VCV001349483.5), dbSNP rs148460469, ClinGen allele CA8233698.

ClinVar aggregate classification (germline): Uncertain significance (1 of 4 stars; one submission).

Allele frequency attached by ClinVar (database versions not stated): gnomAD 0.00001; gnomAD exomes 0.00003; ExAC 0.00005.

Submission:

Labcorp Genetics (formerly Invitae), Labcorp
Classification: Uncertain significance. Last evaluated: 2022-02-10. Review status: criteria provided, single submitter. Criteria: Invitae Variant Classification Sherloc (09022015). Collection method: clinical testing. Allele origin: germline.
Comment: This sequence change replaces leucine, which is neutral and non-polar, with proline, which is neutral and non-polar, at codon 181 of the CDT1 protein (p.Leu181Pro). This variant is present in population databases (rs148460469, gnomAD 0.006%). This variant has not been reported in the literature in individuals affected with CDT1-related conditions. Algorithms developed to predict the effect of missense changes on protein structure and function output the following: SIFT: "Tolerated"; PolyPhen-2: "Benign"; Align-GVGD: "Class C0". The proline amino acid residue is found in multiple mammalian species, which suggests that this missense change does not adversely affect protein function. In summary, the available evidence is currently insufficient to determine the role of this variant in disease. Therefore, it has been classified as a Variant of Uncertain Significance.